The following is an entry in ClinVar:

ClinVar aggregate classification (germline): Uncertain significance (1 of 4 stars; one submission).

Submission:

GeneDx
Classification: Uncertain significance. Last evaluated: 2026-02-12. Review status: criteria provided, single submitter. Criteria: GeneDx Variant Classification Process June 2021. Collection method: clinical testing. Allele origin: germline.
Comment: In-frame duplication of 9 amino acid(s) in a non-repeat region; Not observed at significant frequency in large population cohorts (gnomAD); Has not been previously published as pathogenic or benign to our knowledge

NM_001009944.3(PKD1):c.5830_5856dup (p.Gly1952_Lys1953insGlyAspHisValValSerValArgGly)

Gene: PKD1 (polycystin 1, transient receptor potential channel interacting; minus strand). Cytogenetic location: 16p13.3.
Variant type: Duplication.
Coding change: c.5830_5856dup on transcript NM_001009944.3 (MANE Select); coding-DNA positions 5830 to 5856, 27 bases duplicated (GGAGACCACGTGGTGAGCGTGCGGGGC).
Protein change: p.Gly1952_Lys1953insGlyAspHisValValSerValArgGly.
Molecular consequence: inframe insertion. On other transcripts: inframe indel (1).
Genome position (GRCh38, 1-based): chr16:2,109,311-2,109,337, GCCCCGCACGCTCACCACGTGGTCTCC duplicated on the plus strand (GGAGACCACGTGGTGAGCGTGCGGGGC on the coding strand, the reverse complement: PKD1 is on the minus strand); duplicating any 27 consecutive bases within chr16:2,109,311-2,109,338 gives the same sequence; the c. name uses the placement nearest the transcript's 3' end. VCF-style (leftmost placement, unchanged base first): chr16-2109310-T-TGCCCCGCACGCTCACCACGTGGTCTCC. GRCh37 (hg19) VCF-style: chr16-2159311-T-TGCCCCGCACGCTCACCACGTGGTCTCC.
Other names: c.5830_5856dup, p.Gly1952_Lys1953insGlyAspHisValValSerValArgGly (NM_000296.4); c.5830_5856dup (NM_001009944.2).
Identifiers: ClinVar variation 4976252 (VCV004976252.1).